The following is an entry in ClinVar:

NM_001134407.3(GRIN2A):c.-215C>T

Gene: GRIN2A (glutamate ionotropic receptor NMDA type subunit 2A; minus strand). Cytogenetic location: 16p13.2.
Variant type: single nucleotide variant.
Coding change: c.-215C>T on transcript NM_001134407.3 (MANE Select); 215 bases upstream of the start codon, C replaced by T.
Molecular consequence: 5 prime UTR variant. On other transcripts: intron variant (1).
Genome position (GRCh38, 1-based): chr16:10,182,073, G>A on the plus strand (C>T on the coding strand, the complement: GRIN2A is on the minus strand). VCF-style: chr16-10182073-G-A. GRCh37 (hg19) VCF-style: chr16-10275930-G-A.
Other names: c.-209-6C>T (NM_000833.5).
Identifiers: ClinVar variation 382120 (VCV000382120.1), dbSNP rs1057521259, ClinGen allele CA16607100.

ClinVar aggregate classification (germline): Likely benign (1 of 4 stars; one submission).

Submission:

GeneDx
Classification: Likely benign. Last evaluated: 2015-12-08. Review status: criteria provided, single submitter. Criteria: GeneDx Variant Classification (06012015). Collection method: clinical testing. Allele origin: germline. Affected: yes.
Comment: This variant is considered likely benign or benign based on one or more of the following criteria: it is a conservative change, it occurs at a poorly conserved position in the protein, it is predicted to be benign by multiple in silico algorithms, and/or has population frequency not consistent with disease.